The following is an entry in ClinVar:

NM_006947.4(SRP72):c.1744G>A (p.Glu582Lys)

Gene: SRP72 (signal recognition particle 72; plus strand). Cytogenetic location: 4q12.
Variant type: single nucleotide variant.
Coding change: c.1744G>A on transcript NM_006947.4 (MANE Select); coding-DNA position 1744, G replaced by A.
Protein change: p.Glu582Lys; replaces glutamic acid 582 with lysine.
Molecular consequence: missense variant. On other transcripts: non-coding transcript variant (1).
Genome position (GRCh38, 1-based): chr4:56,500,601, G>A. VCF-style: chr4-56500601-G-A. GRCh37 (hg19) VCF-style: chr4-57366767-G-A.
Other names: c.1744G>A (NM_006947.3); c.1561G>A, p.Glu521Lys (NM_001267722.2); short protein forms E521K, E582K.
Identifiers: ClinVar variation 1511189 (VCV001511189.9), dbSNP rs1282018678, ClinGen allele CA357002656.

ClinVar aggregate classification (germline): Uncertain significance. Review status: criteria provided, multiple submitters, no conflicts (2 of 4 stars). 2 submissions from 2 submitters: Uncertain significance (2). Last evaluated 2025-09-09.

Submissions (2):

Labcorp Genetics (formerly Invitae), Labcorp
Classification: Uncertain significance. Last evaluated: 2025-09-09. Review status: criteria provided, single submitter. Criteria: Invitae Variant Classification Sherloc (09022015). Collection method: clinical testing. Allele origin: germline.
Comment: This sequence change replaces glutamic acid, which is acidic and polar, with lysine, which is basic and polar, at codon 582 of the SRP72 protein (p.Glu582Lys). This variant is not present in population databases (gnomAD no frequency). This variant has not been reported in the literature in individuals affected with SRP72-related conditions. ClinVar contains an entry for this variant (Variation ID: 1511189). Invitae Evidence Modeling of protein sequence and biophysical properties (such as structural, functional, and spatial information, amino acid conservation, physicochemical variation, residue mobility, and thermodynamic stability) indicates that this missense variant is expected to disrupt SRP72 protein function with a positive predictive value of 80%. In summary, the available evidence is currently insufficient to determine the role of this variant in disease. Therefore, it has been classified as a Variant of Uncertain Significance.

Ambry Genetics
Classification: Uncertain significance. Last evaluated: 2023-06-02. Review status: criteria provided, single submitter. Criteria: Ambry Variant Classification Scheme 2023. Collection method: clinical testing. Allele origin: germline.